The following is an entry in ClinVar:

ClinVar aggregate classification (germline): Uncertain significance. Review status: criteria provided, multiple submitters, no conflicts (2 of 4 stars). 3 submissions from 3 submitters: Uncertain significance (2). 1 of the submissions does not count toward it. Last evaluated 2021-07-21.

Conditions:
Osteopetrosis with renal tubular acidosis (OPTB3). Also called: Autosomal recessive osteopetrosis 3. Identifiers: Orphanet 2785, MedGen C0345407, MONDO:0009818, OMIM 259730.

Allele frequency attached by ClinVar (database versions not stated): gnomAD exomes below 0.00001; TOPMed 0.00002.
gnomAD v4.1: 4 of 1,613,954 alleles (0.00025%); highest among the groups gnomAD compares: Non-Finnish European, 0.00034%; no homozygotes.

Submissions (3):

Fulgent Genetics
Classification: Uncertain significance for Osteopetrosis with renal tubular acidosis. Last evaluated: 2021-07-21. Review status: criteria provided, single submitter. Criteria: ACMG Guidelines, 2015. Collection method: clinical testing. Allele origin: unknown.

Labcorp Genetics (formerly Invitae), Labcorp
Classification: Uncertain significance. Last evaluated: 2021-06-28. Review status: criteria provided, single submitter. Criteria: Invitae Variant Classification Sherloc (09022015). Collection method: clinical testing. Allele origin: germline.
Comment: This sequence change replaces threonine with isoleucine at codon 192 of the CA2 protein (p.Thr192Ile). The threonine residue is highly conserved and there is a moderate physicochemical difference between threonine and isoleucine. This variant is not present in population databases (ExAC no frequency). This variant has not been reported in the literature in individuals affected with CA2-related conditions. In summary, the available evidence is currently insufficient to determine the role of this variant in disease. Therefore, it has been classified as a Variant of Uncertain Significance. Algorithms developed to predict the effect of missense changes on protein structure and function are either unavailable or do not agree on the potential impact of this missense change (SIFT: "Deleterious"; PolyPhen-2: "Probably Damaging"; Align-GVGD: "Class C15"). ClinVar contains an entry for this variant (Variation ID: 591996).

Gharavi Laboratory, Columbia University
Classification: Uncertain significance. Last evaluated: 2018-09-16. Review status: no assertion criteria provided. Criteria: ACMG Guidelines, 2015. Collection method: research. Allele origin: germline. Affected: yes. Not counted in ClinVar's aggregate classification.

NM_000067.3(CA2):c.575C>T (p.Thr192Ile)

Gene: CA2 (carbonic anhydrase 2; plus strand). Cytogenetic location: 8q21.2.
Variant type: single nucleotide variant.
Coding change: c.575C>T on transcript NM_000067.3 (MANE Select); coding-DNA position 575, C replaced by T.
Protein change: p.Thr192Ile; replaces threonine 192 with isoleucine.
Molecular consequence: missense variant.
Genome position (GRCh38, 1-based): chr8:85,477,187, C>T. VCF-style: chr8-85477187-C-T. GRCh37 (hg19) VCF-style: chr8-86389416-C-T.
Other names: c.272C>T, p.Thr91Ile (NM_001293675.2); short protein forms T192I, T91I.
Identifiers: ClinVar variation 591996 (VCV000591996.9), dbSNP rs369229469, ClinGen allele CA371430642.
Genomic context (GRCh38, chr8:85,477,187, plus strand): 5'-GTGCTGACTTCACTAACTTCGATCCTCGTGGCCTCCTTCCTGAATCCTTGGATTACTGGA[C>T]CTACCCAGGCTCACTGACCACCCCTCCTCTTCTGGAATGTGTGACCTGGATTGTGCTCAA-3'
Protein context (NP_000058.1, residues 182-202): GLLPESLDYW[Thr192Ile]YPGSLTTPPL